The following is an entry in ClinVar:

NM_004795.4(KL):c.247C>T (p.His83Tyr)

Gene: KL (klotho; plus strand). Cytogenetic location: 13q13.1.
Variant type: single nucleotide variant.
Coding change: c.247C>T on transcript NM_004795.4 (MANE Select); coding-DNA position 247, C replaced by T.
Protein change: p.His83Tyr; replaces histidine 83 with tyrosine.
Molecular consequence: missense variant.
Genome position (GRCh38, 1-based): chr13:33,016,687, C>T. VCF-style: chr13-33016687-C-T. GRCh37 (hg19) VCF-style: chr13-33590825-C-T.
Other names: c.247C>T (NM_004795.3); short protein forms H83Y.
Identifiers: ClinVar variation 3685825 (VCV003685825.3).
Genomic context (GRCh38, chr13:33,016,687, plus strand): 5'-GACGGCTTCCTCTGGGCCGTGGGCAGCGCCGCCTACCAGACCGAGGGCGGCTGGCAGCAG[C>T]ACGGCAAGGGTGCGTCCATCTGGGATACGTTCACCCACCACCCCCTGGCACCCCCGGGAG-3'
Protein context (NP_004786.2, residues 73-93): AYQTEGGWQQ[His83Tyr]GKGASIWDTF

ClinVar aggregate classification (germline): Uncertain significance. Review status: criteria provided, multiple submitters, no conflicts (2 of 4 stars). 2 submissions from 2 submitters: Uncertain significance (2). Last evaluated 2025-10-24.

Submissions (2):

Ambry Genetics
Classification: Uncertain significance. Last evaluated: 2025-10-24. Review status: criteria provided, single submitter. Criteria: Ambry Variant Classification Scheme 2023. Collection method: clinical testing. Allele origin: germline.

Labcorp Genetics (formerly Invitae), Labcorp
Classification: Uncertain significance. Last evaluated: 2024-09-02. Review status: criteria provided, single submitter. Criteria: Invitae Variant Classification Sherloc (09022015). Collection method: clinical testing. Allele origin: germline.
Comment: This sequence change replaces histidine, which is basic and polar, with tyrosine, which is neutral and polar, at codon 83 of the KL protein (p.His83Tyr). This variant is present in population databases (no rsID available, gnomAD 0.007%). This variant has not been reported in the literature in individuals affected with KL-related conditions. Invitae Evidence Modeling of protein sequence and biophysical properties (such as structural, functional, and spatial information, amino acid conservation, physicochemical variation, residue mobility, and thermodynamic stability) indicates that this missense variant is not expected to disrupt KL protein function with a negative predictive value of 80%. In summary, the available evidence is currently insufficient to determine the role of this variant in disease. Therefore, it has been classified as a Variant of Uncertain Significance.